The following is an entry in ClinVar:

ClinVar aggregate classification (germline): Uncertain significance. Review status: criteria provided, multiple submitters, no conflicts (2 of 4 stars). 2 submissions from 2 submitters: Uncertain significance (2). Last evaluated 2024-02-12.

Conditions:
Benign neonatal seizures. Also called: Benign familial neonatal epilepsy; Benign familial neonatal seizures; Convulsions benign familial neonatal dominant form; Autosomal dominant form of benign neonatal seizures; Benign neonatal familial convulsions. Identifiers: Orphanet 1949, MedGen C0220669, MONDO:0016027.

Allele frequency attached by ClinVar (database versions not stated): gnomAD exomes below 0.00001; TOPMed below 0.00001.
gnomAD v4.1: 1 of 1,613,228 alleles (0.000062%); highest among the groups gnomAD compares: Admixed American, 0.0017%; no homozygotes.

Submissions (2):

GeneDx
Classification: Uncertain significance. Last evaluated: 2024-02-12. Review status: criteria provided, single submitter. Criteria: GeneDx Variant Classification Process June 2021. Collection method: clinical testing. Allele origin: germline. Affected: yes.
Comment: Not observed at significant frequency in large population cohorts (gnomAD); In silico analysis supports that this missense variant does not alter protein structure/function; Has not been previously published as pathogenic or benign to our knowledge

Labcorp Genetics (formerly Invitae), Labcorp
Classification: Uncertain significance for Benign neonatal seizures. Last evaluated: 2023-08-14. Review status: criteria provided, single submitter. Criteria: Invitae Variant Classification Sherloc (09022015). Collection method: clinical testing. Allele origin: germline.
Comment: In summary, the available evidence is currently insufficient to determine the role of this variant in disease. Therefore, it has been classified as a Variant of Uncertain Significance. Advanced modeling of protein sequence and biophysical properties (such as structural, functional, and spatial information, amino acid conservation, physicochemical variation, residue mobility, and thermodynamic stability) performed at Invitae indicates that this missense variant is not expected to disrupt KCNQ3 protein function. This variant has not been reported in the literature in individuals affected with KCNQ3-related conditions. This variant is present in population databases (no rsID available, gnomAD 0.003%). This sequence change replaces valine, which is neutral and non-polar, with isoleucine, which is neutral and non-polar, at codon 97 of the KCNQ3 protein (p.Val97Ile).

NM_004519.4(KCNQ3):c.289G>A (p.Val97Ile)

Gene: KCNQ3 (potassium voltage-gated channel subfamily Q member 3; minus strand). Cytogenetic location: 8q24.22.
Variant type: single nucleotide variant.
Coding change: c.289G>A on transcript NM_004519.4 (MANE Select); coding-DNA position 289, G replaced by A.
Protein change: p.Val97Ile; replaces valine 97 with isoleucine.
Molecular consequence: missense variant.
Genome position (GRCh38, 1-based): chr8:132,480,244, C>T on the plus strand (G>A on the coding strand, the complement: KCNQ3 is on the minus strand). VCF-style: chr8-132480244-C-T. GRCh37 (hg19) VCF-style: chr8-133492491-C-T.
Other names: c.289G>A (NM_004519.3); short protein forms V97I.
Identifiers: ClinVar variation 2785169 (VCV002785169.4), dbSNP rs1377968627, ClinGen allele CA372292524.